The following is an entry in ClinVar:

NM_024408.4(NOTCH2):c.6659C>T (p.Ser2220Leu)

Gene: NOTCH2 (notch receptor 2; minus strand). Cytogenetic location: 1p12.
Variant type: single nucleotide variant.
Coding change: c.6659C>T on transcript NM_024408.4 (MANE Select); coding-DNA position 6659, C replaced by T.
Protein change: p.Ser2220Leu; replaces serine 2220 with leucine.
Molecular consequence: missense variant.
Genome position (GRCh38, 1-based): chr1:119,916,063, G>A on the plus strand (C>T on the coding strand, the complement: NOTCH2 is on the minus strand). VCF-style: chr1-119916063-G-A. GRCh37 (hg19) VCF-style: chr1-120458686-G-A.
Other names: short protein forms S2220L.
Identifiers: ClinVar variation 4799933 (VCV004799933.1).

ClinVar aggregate classification (germline): Uncertain significance (1 of 4 stars; one submission).

Conditions:
Hajdu-Cheney syndrome (HJCYS). Also called: ACROOSTEOLYSIS WITH OSTEOPOROSIS AND CHANGES IN SKULL AND MANDIBLE; SERPENTINE FIBULA-POLYCYSTIC KIDNEY SYNDROME; Acroosteolysis dominant type. Identifiers: Orphanet 955, MedGen C0917715, MONDO:0007057, OMIM 102500.

Submission:

Labcorp Genetics (formerly Invitae), Labcorp
Classification: Uncertain significance for Hajdu-Cheney syndrome. Last evaluated: 2025-11-23. Review status: criteria provided, single submitter. Criteria: Invitae Variant Classification Sherloc (09022015). Collection method: clinical testing. Allele origin: germline.
Comment: This sequence change replaces serine, which is neutral and polar, with leucine, which is neutral and non-polar, at codon 2220 of the NOTCH2 protein (p.Ser2220Leu). This variant is present in population databases (no rsID available, gnomAD 0.0009%). This variant has not been reported in the literature in individuals affected with NOTCH2-related conditions. Invitae Evidence Modeling of protein sequence and biophysical properties (such as structural, functional, and spatial information, amino acid conservation, physicochemical variation, residue mobility, and thermodynamic stability) indicates that this missense variant is not expected to disrupt NOTCH2 protein function with a negative predictive value of 95%. In summary, the available evidence is currently insufficient to determine the role of this variant in disease. Therefore, it has been classified as a Variant of Uncertain Significance.